The following is an entry in ClinVar:

NM_000388.4(CASR):c.3064G>A (p.Asp1022Asn)

Gene: CASR (calcium sensing receptor; plus strand). Cytogenetic location: 3q21.1.
Variant type: single nucleotide variant.
Coding change: c.3064G>A on transcript NM_000388.4 (MANE Select); coding-DNA position 3064, G replaced by A.
Protein change: p.Asp1022Asn; replaces aspartic acid 1022 with asparagine.
Molecular consequence: missense variant.
Genome position (GRCh38, 1-based): chr3:122,285,018, G>A. VCF-style: chr3-122285018-G-A. GRCh37 (hg19) VCF-style: chr3-122003865-G-A.
Other names: c.3094G>A, p.Asp1032Asn (NM_001178065.2); short protein forms D1022N, D1032N.
Identifiers: ClinVar variation 1491395 (VCV001491395.9), dbSNP rs2107651862, ClinGen allele CA354161360.

ClinVar aggregate classification (germline): Uncertain significance. Review status: criteria provided, multiple submitters, no conflicts (2 of 4 stars). 3 submissions from 3 submitters: Uncertain significance (3). Last evaluated 2023-11-21.

Conditions:
Familial hypocalciuric hypercalcemia (FHH). Also called: Familial benign hypercalcemia. Identifiers: Orphanet 405, MedGen C1809471, MONDO:0018458.
Autosomal dominant hypocalcemia 1 (HYPOC1). Also called: HYPOCALCEMIA, FAMILIAL. Identifiers: MedGen C3715128, MONDO:0011013, OMIM 601198.
Nephrolithiasis/nephrocalcinosis. Identifiers: MedGen CN580796.

Allele frequency attached by ClinVar (database versions not stated): gnomAD exomes below 0.00001.
gnomAD v4.1: 1 of 1,614,236 alleles (0.000062%); highest among the groups gnomAD compares: Non-Finnish European, 0.000085%; no homozygotes.

Submissions (3):

Labcorp Genetics (formerly Invitae), Labcorp
Classification: Uncertain significance for Familial hypocalciuric hypercalcemia; Autosomal dominant hypocalcemia 1. Last evaluated: 2023-11-21. Review status: criteria provided, single submitter. Criteria: Invitae Variant Classification Sherloc (09022015). Collection method: clinical testing. Allele origin: germline.
Comment: This sequence change replaces aspartic acid, which is acidic and polar, with asparagine, which is neutral and polar, at codon 1022 of the CASR protein (p.Asp1022Asn). This variant is not present in population databases (gnomAD no frequency). This variant has not been reported in the literature in individuals affected with CASR-related conditions. ClinVar contains an entry for this variant (Variation ID: 1491395). An algorithm developed to predict the effect of missense changes on protein structure and function (PolyPhen-2) suggests that this variant is likely to be tolerated. In summary, the available evidence is currently insufficient to determine the role of this variant in disease. Therefore, it has been classified as a Variant of Uncertain Significance.

Mendelics
Classification: Uncertain significance. Last evaluated: 2022-05-04. Review status: criteria provided, single submitter. Criteria: Mendelics Assertion Criteria 2019. Collection method: clinical testing. Allele origin: germline.

Ambry Genetics
Classification: Uncertain significance for Nephrolithiasis/nephrocalcinosis. Last evaluated: 2022-04-25. Review status: criteria provided, single submitter. Criteria: Ambry Variant Classification Scheme 2023. Collection method: clinical testing. Allele origin: germline.
Comment: The p.D1022N variant (also known as c.3064G>A), located in coding exon 6 of the CASR gene, results from a G to A substitution at nucleotide position 3064. The aspartic acid at codon 1022 is replaced by asparagine, an amino acid with highly similar properties. This amino acid position is conserved. In addition, this alteration is predicted to be tolerated by in silico analysis. Since supporting evidence is limited at this time, the clinical significance of this alteration remains unclear.